The following is an entry in ClinVar:

ClinVar aggregate classification (germline): Likely benign (0 of 4 stars; one submission).

Conditions:
NTRK2-related disorder. Also called: NTRK2-related condition.

Allele frequency attached by ClinVar (database versions not stated): gnomAD exomes below 0.00001.
gnomAD v4.1: 4 of 1,614,188 alleles (0.00025%); highest among the groups gnomAD compares: Non-Finnish European, 0.00034%; no homozygotes.

Submission:

PreventionGenetics, part of Exact Sciences
Classification: Likely benign for NTRK2-related condition. Last evaluated: 2021-03-19. Review status: no assertion criteria provided. Collection method: clinical testing. Allele origin: germline.
Comment: This variant is classified as likely benign based on ACMG/AMP sequence variant interpretation guidelines (Richards et al. 2015 PMID: 25741868, with internal and published modifications).

NM_006180.6(NTRK2):c.2427G>A (p.Glu809=)

Gene: NTRK2 (neurotrophic receptor tyrosine kinase 2; plus strand). Cytogenetic location: 9q21.33.
Variant type: single nucleotide variant.
Coding change: c.2427G>A on transcript NM_006180.6 (MANE Select); coding-DNA position 2427, G replaced by A.
Protein change: p.Glu809=; no amino-acid change (glutamic acid 809 retained).
Molecular consequence: synonymous variant.
Genome position (GRCh38, 1-based): chr9:85,021,347, G>A. VCF-style: chr9-85021347-G-A. GRCh37 (hg19) VCF-style: chr9-87636262-G-A.
Other names: c.2379G>A, p.Glu793= (NM_001018064.3, NM_001369532.1, NM_001369533.1); c.2343G>A, p.Glu781= (NM_001369534.1); c.1911G>A, p.Glu637= (NM_001369535.1); c.1959G>A, p.Glu653= (NM_001369536.1); c.2427G>A, p.Glu809= (NM_001381928.1).
Identifiers: ClinVar variation 3029929 (VCV003029929.2), dbSNP rs2118011162, ClinGen allele CA465895092.